The following is an entry in ClinVar:

ClinVar aggregate classification (germline): Uncertain significance (1 of 4 stars; one submission).

gnomAD v4.1: 7 of 1,612,746 alleles (0.00043%); highest among the groups gnomAD compares: East Asian, 0.013%; no homozygotes.

Submission:

Labcorp Genetics (formerly Invitae), Labcorp
Classification: Uncertain significance. Last evaluated: 2026-01-01. Review status: criteria provided, single submitter. Criteria: Invitae Variant Classification Sherloc (09022015). Collection method: clinical testing. Allele origin: germline.
Comment: This sequence change replaces lysine, which is basic and polar, with arginine, which is basic and polar, at codon 142 of the C1QTNF5 protein (p.Lys142Arg). This variant is present in population databases (rs764246519, gnomAD 0.04%). This variant has not been reported in the literature in individuals affected with C1QTNF5-related conditions. An algorithm developed to predict the effect of missense changes on protein structure and function (PolyPhen-2) suggests that this variant is likely to be tolerated. In summary, the available evidence is currently insufficient to determine the role of this variant in disease. Therefore, it has been classified as a Variant of Uncertain Significance.

NM_001278431.2(C1QTNF5):c.425A>G (p.Lys142Arg)

Genes: C1QTNF5 (C1q and TNF related 5; minus strand), MFRP (membrane frizzled-related protein; minus strand). Cytogenetic location: 11q23.3.
Variant type: single nucleotide variant.
Coding change: c.425A>G on transcript NM_001278431.2 (MANE Select); coding-DNA position 425, A replaced by G.
Protein change: p.Lys142Arg; replaces lysine 142 with arginine.
Molecular consequence: missense variant. On other transcripts: 3 prime UTR variant (1).
Genome position (GRCh38, 1-based): chr11:119,339,638, T>C on the plus strand (A>G on the coding strand, the complement: C1QTNF5 is on the minus strand). VCF-style: chr11-119339638-T-C. GRCh37 (hg19) VCF-style: chr11-119210348-T-C.
Other names: c.425A>G, p.Lys142Arg (NM_015645.5); c.*1321A>G (NM_031433.4); short protein forms K142R.
Identifiers: ClinVar variation 4693160 (VCV004693160.1).
Genomic context (GRCh38, chr11:119,339,638, plus strand): 5'-GCCCGGTAGACGGTGGCATGGACGGCGAAGTAGTAGACCCCAGGCACCTGGCAGGTGAAC[T>C]TGCCGGTGACGGCGTCGTAATGTCCCTGCTCGTTCACCAGCACGCGGTCGAAGGGCAAGG-3'
Protein context (NP_001265360.1, residues 132-152): EQGHYDAVTG[Lys142Arg]FTCQVPGVYY